The following is an entry in ClinVar:

ClinVar aggregate classification (germline): Uncertain significance (1 of 4 stars; one submission).

Conditions:
Nephrolithiasis/nephrocalcinosis. Identifiers: MedGen CN580796.

Submission:

Ambry Genetics
Classification: Uncertain significance for Nephrolithiasis/nephrocalcinosis. Last evaluated: 2022-09-17. Review status: criteria provided, single submitter. Criteria: Ambry Variant Classification Scheme 2023. Collection method: clinical testing. Allele origin: germline.
Comment: The p.D570N variant (also known as c.1708G>A), located in coding exon 5 of the CASR gene, results from a G to A substitution at nucleotide position 1708. The aspartic acid at codon 570 is replaced by asparagine, an amino acid with highly similar properties. This amino acid position is conserved. In addition, the in silico prediction for this alteration is inconclusive. Since supporting evidence is limited at this time, the clinical significance of this alteration remains unclear.

NM_000388.4(CASR):c.1708G>A (p.Asp570Asn)

Gene: CASR (calcium sensing receptor; plus strand). Cytogenetic location: 3q21.1.
Variant type: single nucleotide variant.
Coding change: c.1708G>A on transcript NM_000388.4 (MANE Select); coding-DNA position 1708, G replaced by A.
Protein change: p.Asp570Asn; replaces aspartic acid 570 with asparagine.
Molecular consequence: missense variant.
Genome position (GRCh38, 1-based): chr3:122,282,212, G>A. VCF-style: chr3-122282212-G-A. GRCh37 (hg19) VCF-style: chr3-122001059-G-A.
Other names: c.1738G>A, p.Asp580Asn (NM_001178065.2); short protein forms D580N, D570N.
Identifiers: ClinVar variation 1778496 (VCV001778496.2), dbSNP rs2473272935, ClinGen allele CA354156322.